The following is an entry in ClinVar:

ClinVar aggregate classification (germline): Uncertain significance (1 of 4 stars; one submission).

Submission:

Labcorp Genetics (formerly Invitae), Labcorp
Classification: Uncertain significance. Last evaluated: 2024-04-24. Review status: criteria provided, single submitter. Criteria: Invitae Variant Classification Sherloc (09022015). Collection method: clinical testing. Allele origin: germline.
Comment: This sequence change creates a premature translational stop signal (p.Tyr555*) in the ASNS gene. While this is not anticipated to result in nonsense mediated decay, it is expected to disrupt the last 7 amino acid(s) of the ASNS protein. This variant is not present in population databases (gnomAD no frequency). This premature translational stop signal has been observed in individual(s) with clinical features of asparagine synthetase deficiency (Invitae). In summary, the available evidence is currently insufficient to determine the role of this variant in disease. Therefore, it has been classified as a Variant of Uncertain Significance.

NM_001673.5(ASNS):c.1665C>G (p.Tyr555Ter)

Genes: ASNS (asparagine synthetase (glutamine-hydrolyzing); minus strand), CZ1P-ASNS (CZ1P-ASNS readthrough; minus strand). Cytogenetic location: 7q21.3.
Variant type: single nucleotide variant.
Coding change: c.1665C>G on transcript NM_001673.5 (MANE Select); coding-DNA position 1665, C replaced by G.
Protein change: p.Tyr555Ter; replaces tyrosine 555 with a stop codon.
Molecular consequence: nonsense. On other transcripts: non-coding transcript variant (1).
Genome position (GRCh38, 1-based): chr7:97,852,280, G>C on the plus strand (C>G on the coding strand, the complement: ASNS is on the minus strand). VCF-style: chr7-97852280-G-C. GRCh37 (hg19) VCF-style: chr7-97481592-G-C.
Other names: c.1602C>G, p.Tyr534Ter (NM_001178075.2); c.1416C>G, p.Tyr472Ter (NM_001178076.2, NM_001178077.1); c.1665C>G, p.Tyr555Ter (NM_001352496.2, NM_133436.3, NM_183356.4); short protein forms Y472*, Y555*, Y534*.
Identifiers: ClinVar variation 3639535 (VCV003639535.2).